The following is an entry in ClinVar:

ClinVar aggregate classification (germline): Uncertain significance (1 of 4 stars; one submission).

Conditions:
Leigh syndrome (NULS). Also called: Leigh's necrotizing encephalopathy; Leigh's disease; Leigh Syndrome (mtDNA deletion); Leigh Disease; Subacute necrotizing encephalopathy; Necrotizing encephalopathy infantile subacute of Leigh. Identifiers: Orphanet 506, MedGen C2931891, MONDO:0009723, OMIM 256000.

Submission:

Wong Mito Lab, Molecular and Human Genetics, Baylor College of Medicine
Classification: Uncertain significance for Leigh syndrome. Last evaluated: 2019-10-17. Review status: criteria provided, single submitter. Criteria: Modified ACMG Guidelines (Unpublished). Collection method: clinical testing. Allele origin: germline.
Comment: The NC_012920.1:m.9319A>G (YP_003024032.1:p.His38Arg) variant in MTCO3 gene is interpretated to be a Uncertain Significance variant based on the modified ACMG guidelines (unpublished). This variant meets the following evidence codes: BP4

NC_012920.1(MT-CO3):m.9319A>G

Gene: MT-CO3 (mitochondrially encoded cytochrome c oxidase III; plus strand).
Variant type: single nucleotide variant.
Genome position: chrM-9319-A-G.
Identifiers: ClinVar variation 693146 (VCV000693146.1), dbSNP rs1603222243, ClinGen allele CA414802685.
Genomic context (GRCh38, chrMT:9,319, plus strand): 5'-TAACAGGGGCCCTCTCAGCCCTCCTAATGACCTCCGGCCTAGCCATGTGATTTCACTTCC[A>G]CTCCATAACGCTCCTCATACTAGGCCTACTAACCAACACACTAACCATATACCAATGATG-3'